The following is an entry in ClinVar:

NM_006073.4(TRDN):c.233-11A>G

Gene: TRDN (triadin; minus strand). Cytogenetic location: 6q22.31.
Variant type: single nucleotide variant.
Coding change: c.233-11A>G on transcript NM_006073.4 (MANE Select); 11 bases into the intron before coding-DNA position 233, A replaced by G.
Molecular consequence: intron variant.
Genome position (GRCh38, 1-based): chr6:123,548,623, T>C on the plus strand (A>G on the coding strand, the complement: TRDN is on the minus strand). VCF-style: chr6-123548623-T-C. GRCh37 (hg19) VCF-style: chr6-123869768-T-C.
Other names: c.233-11A>G (NM_001251987.2, NM_001256020.2, NM_001256021.2 and 1 more transcripts).
Identifiers: ClinVar variation 2152390 (VCV002152390.1), dbSNP rs1781234832, ClinGen allele CA1660475294.

ClinVar aggregate classification (germline): Uncertain significance (1 of 4 stars; one submission).

Conditions:
Catecholaminergic polymorphic ventricular tachycardia 1. Also called: VENTRICULAR TACHYCARDIA, CATECHOLAMINERGIC POLYMORPHIC, 1, WITH OR WITHOUT ATRIAL DYSFUNCTION AND/OR DILATED CARDIOMYOPATHY; RYR2-Related Catecholaminergic Polymorphic Ventricular Tachycardia; VENTRICULAR TACHYCARDIA, STRESS-INDUCED POLYMORPHIC 1. Identifiers: Orphanet 3286, MedGen C1631597, MONDO:0011484, OMIM 604772.

Allele frequency attached by ClinVar (database versions not stated): TOPMed below 0.00001; gnomAD exomes 0.00001.
gnomAD v4.1: 15 of 1,264,678 alleles (0.0012%); highest among the groups gnomAD compares: Non-Finnish European, 0.0015%; no homozygotes.

Submission:

Labcorp Genetics (formerly Invitae), Labcorp
Classification: Uncertain significance for Catecholaminergic polymorphic ventricular tachycardia 1. Last evaluated: 2022-04-13. Review status: criteria provided, single submitter. Criteria: Invitae Variant Classification Sherloc (09022015). Collection method: clinical testing. Allele origin: germline.
Comment: This sequence change falls in intron 2 of the TRDN gene. It does not directly change the encoded amino acid sequence of the TRDN protein. This variant is not present in population databases (gnomAD no frequency). This variant has not been reported in the literature in individuals affected with TRDN-related conditions. Algorithms developed to predict the effect of sequence changes on RNA splicing suggest that this variant may disrupt the consensus splice site. In summary, the available evidence is currently insufficient to determine the role of this variant in disease. Therefore, it has been classified as a Variant of Uncertain Significance.